The following is an entry in ClinVar:

NM_025257.3(SLC44A4):c.1747C>T (p.Arg583Ter)

Gene: SLC44A4 (solute carrier family 44 member 4; minus strand). Cytogenetic location: 6p21.33.
Variant type: single nucleotide variant.
Coding change: c.1747C>T on transcript NM_025257.3 (MANE Select); coding-DNA position 1747, C replaced by T.
Protein change: p.Arg583Ter; replaces arginine 583 with a stop codon.
Molecular consequence: nonsense.
Genome position (GRCh38, 1-based): chr6:31,865,328, G>A on the plus strand (C>T on the coding strand, the complement: SLC44A4 is on the minus strand). VCF-style: chr6-31865328-G-A. GRCh37 (hg19) VCF-style: chr6-31833105-G-A.
Other names: NC_000006.11:g.31833105G>A; c.1747C>T (NM_025257.2); c.1621C>T, p.Arg541Ter (NM_001178044.2); c.1519C>T, p.Arg507Ter (NM_001178045.2); short protein forms R583*, R507*, R541*.
Identifiers: ClinVar variation 4325808 (VCV004325808.2).

ClinVar aggregate classification (germline): Uncertain significance (1 of 4 stars; one submission).

Conditions:
SLC44A4-related disorder. Also called: SLC44A4-related condition.

gnomAD v4.1: 76 of 1,613,834 alleles (0.0047%); highest among the groups gnomAD compares: Non-Finnish European, 0.006%; no homozygotes.

Submissions (2):

PreventionGenetics, part of Exact Sciences
Classification: Uncertain significance for SLC44A4-related condition. Last evaluated: 2026-03-20. Review status: criteria provided, single submitter. Criteria: ACMG Guidelines, 2015. Collection method: clinical testing. Allele origin: germline.
Comment: The SLC44A4 c.1747C>T variant is predicted to result in premature protein termination (p.Arg583*). To our knowledge, this variant has not been reported in the literature. This variant is reported in 0.010% of alleles in individuals of European (Non-Finnish) descent in gnomAD. At this time, the clinical significance of this variant is uncertain due to the absence of conclusive functional and genetic evidence.

Dr. Peter K. Rogan Lab, Western University
No classification provided (evidence only). Condition: Colon adenocarcinoma. Review status: no classification provided. Collection method: in vitro. Allele origin: not applicable. Functional consequence: retained intron. Not counted in ClinVar's aggregate classification.